The following is an entry in ClinVar:

NM_017547.4(FOXRED1):c.11G>T (p.Arg4Met)

Genes: FOXRED1 (FAD dependent oxidoreductase domain containing 1; plus strand), LOC130007026 (ATAC-STARR-seq lymphoblastoid active region 5705; plus strand). Cytogenetic location: 11q24.2.
Variant type: single nucleotide variant.
Coding change: c.11G>T on transcript NM_017547.4 (MANE Select); coding-DNA position 11, G replaced by T.
Protein change: p.Arg4Met; replaces arginine 4 with methionine.
Molecular consequence: missense variant. On other transcripts: non-coding transcript variant (2).
Genome position (GRCh38, 1-based): chr11:126,269,217, G>T. VCF-style: chr11-126269217-G-T. GRCh37 (hg19) VCF-style: chr11-126139112-G-T.
Other names: short protein forms R4M.
Identifiers: ClinVar variation 1380138 (VCV001380138.7), dbSNP rs146672359, ClinGen allele CA6353915.

ClinVar aggregate classification (germline): Uncertain significance (1 of 4 stars; one submission).

Allele frequency attached by ClinVar (database versions not stated): ExAC 0.00001; ESP Exome Variant Server 0.00008.
gnomAD v4.1: 12 of 1,613,642 alleles (0.00074%); highest among the groups gnomAD compares: Admixed American, 0.0017%; no homozygotes.

Submission:

Labcorp Genetics (formerly Invitae), Labcorp
Classification: Uncertain significance. Last evaluated: 2025-01-15. Review status: criteria provided, single submitter. Criteria: Invitae Variant Classification Sherloc (09022015). Collection method: clinical testing. Allele origin: germline.
Comment: This sequence change replaces arginine, which is basic and polar, with methionine, which is neutral and non-polar, at codon 4 of the FOXRED1 protein (p.Arg4Met). This variant is present in population databases (rs146672359, gnomAD 0.003%). This variant has not been reported in the literature in individuals affected with FOXRED1-related conditions. ClinVar contains an entry for this variant (Variation ID: 1380138). Invitae Evidence Modeling of protein sequence and biophysical properties (such as structural, functional, and spatial information, amino acid conservation, physicochemical variation, residue mobility, and thermodynamic stability) indicates that this missense variant is not expected to disrupt FOXRED1 protein function with a negative predictive value of 95%. In summary, the available evidence is currently insufficient to determine the role of this variant in disease. Therefore, it has been classified as a Variant of Uncertain Significance.